The following is an entry in ClinVar:

NM_000321.3(RB1):c.732A>G (p.Ile244Met)

Gene: RB1 (RB transcriptional corepressor 1; plus strand). Cytogenetic location: 13q14.2.
Variant type: single nucleotide variant.
Coding change: c.732A>G on transcript NM_000321.3 (MANE Select); coding-DNA position 732, A replaced by G.
Protein change: p.Ile244Met; replaces isoleucine 244 with methionine.
Molecular consequence: missense variant.
Genome position (GRCh38, 1-based): chr13:48,362,828, A>G. VCF-style: chr13-48362828-A-G. GRCh37 (hg19) VCF-style: chr13-48936964-A-G.
Other names: c.732A>G, p.Ile244Met (NM_001407165.1, NM_001407166.1); short protein forms I244M.
Identifiers: ClinVar variation 3730455 (VCV003730455.2).
Genomic context (GRCh38, chr13:48,362,828, plus strand): 5'-ATATGATGGATGTACAATTGTTCTTATCTAATTTACCACTTTTACAGAAACAGCTGTTAT[A>G]CCCATTAATGGTTCACCTCGAACACCCAGGCGAGGTCAGAACAGGAGTGCACGGATAGCA-3'
Protein context (NP_000312.2, residues 234-254): LLKEPYKTAV[Ile244Met]PINGSPRTPR

ClinVar aggregate classification (germline): Uncertain significance. Review status: criteria provided, multiple submitters, no conflicts (2 of 4 stars). 2 submissions from 2 submitters: Uncertain significance (2). Last evaluated 2026-03-11.

Conditions:
Hereditary cancer-predisposing syndrome. Also called: Hereditary Cancer Syndrome; Neoplastic Syndromes, Hereditary; Tumor predisposition; Hereditary neoplastic syndrome. Identifiers: Orphanet 140162, MedGen C0027672, MeSH D009386, MONDO:0015356.
Retinoblastoma (RB1). Also called: RETINOBLASTOMA, SOMATIC. Identifiers: Orphanet 790, MedGen C0035335, MeSH D012175, MONDO:0008380, OMIM 180200, HP:0009919. Disease mechanism: loss of function. Inheritance: Both sporadic and heritable forms are tested..

gnomAD v4.1: 2 of 1,613,752 alleles (0.00012%); highest among the groups gnomAD compares: Non-Finnish European, 0.00017%; no homozygotes.

Submissions (2):

Ambry Genetics
Classification: Uncertain significance for Hereditary cancer-predisposing syndrome. Last evaluated: 2026-03-11. Review status: criteria provided, single submitter. Criteria: Ambry Variant Classification Scheme 2023. Collection method: clinical testing. Allele origin: germline.
Comment: The p.I244M variant (also known as c.732A>G), located in coding exon 8 of the RB1 gene, results from an A to G substitution at nucleotide position 732. The isoleucine at codon 244 is replaced by methionine, an amino acid with highly similar properties. This amino acid position is conserved. In addition, this alteration is predicted to be tolerated by in silico analysis. Based on the available evidence, the clinical significance of this variant remains unclear.

Labcorp Genetics (formerly Invitae), Labcorp
Classification: Uncertain significance for Retinoblastoma. Last evaluated: 2024-05-13. Review status: criteria provided, single submitter. Criteria: Invitae Variant Classification Sherloc (09022015). Collection method: clinical testing. Allele origin: germline.
Comment: This sequence change replaces isoleucine, which is neutral and non-polar, with methionine, which is neutral and non-polar, at codon 244 of the RB1 protein (p.Ile244Met). This variant is present in population databases (no rsID available, gnomAD 0.0009%). This variant has not been reported in the literature in individuals affected with RB1-related conditions. Advanced modeling of protein sequence and biophysical properties (such as structural, functional, and spatial information, amino acid conservation, physicochemical variation, residue mobility, and thermodynamic stability) performed at Invitae indicates that this missense variant is not expected to disrupt RB1 protein function with a negative predictive value of 80%. In summary, the available evidence is currently insufficient to determine the role of this variant in disease. Therefore, it has been classified as a Variant of Uncertain Significance.